The following is an entry in ClinVar:

ClinVar aggregate classification (germline): Uncertain significance (1 of 4 stars; one submission).

Submission:

GeneDx
Classification: Uncertain significance. Last evaluated: 2025-02-25. Review status: criteria provided, single submitter. Criteria: GeneDx Variant Classification Process June 2021. Collection method: clinical testing. Allele origin: germline. Affected: yes.
Comment: Not observed at significant frequency in large population cohorts (gnomAD); Missense variant in a gene in which most reported pathogenic variants are truncating/loss of function

NM_001267550.2(TTN):c.77078T>C (p.Ile25693Thr)

Genes: TTN-AS1 (TTN antisense RNA 1; plus strand), TTN (titin; minus strand). Cytogenetic location: 2q31.2.
Variant type: single nucleotide variant.
Coding change: c.77078T>C on transcript NM_001267550.2 (MANE Select); coding-DNA position 77078, T replaced by C.
Protein change: p.Ile25693Thr; replaces isoleucine 25693 with threonine.
Molecular consequence: missense variant.
Genome position (GRCh38, 1-based): chr2:178,569,054, A>G on the plus strand (T>C on the coding strand, the complement: TTN is on the minus strand). VCF-style: chr2-178569054-A-G. GRCh37 (hg19) VCF-style: chr2-179433781-A-G.
Other names: c.72155T>C, p.Ile24052Thr (NM_001256850.1); c.49883T>C, p.Ile16628Thr (NM_003319.4); c.69374T>C, p.Ile23125Thr (NM_133378.4); c.50258T>C, p.Ile16753Thr (NM_133432.3); c.50459T>C, p.Ile16820Thr (NM_133437.4); short protein forms I16628T, I16753T, I16820T, I23125T, I24052T, I25693T.
Identifiers: ClinVar variation 4076815 (VCV004076815.1).